The following is an entry in ClinVar:

ClinVar aggregate classification (germline): Uncertain significance (1 of 4 stars; one submission).

Conditions:
Familial cancer of breast. Also called: Hereditary breast cancer; hereditary breast carcinoma; BREAST CANCER, FAMILIAL. Identifiers: Orphanet 227535, MedGen C0346153, MONDO:0016419, OMIM 114480. Disease mechanism: loss of function.
Fanconi anemia complementation group J. Also called: BRIP1-Related Fanconi Anemia. Identifiers: Orphanet 84, MedGen C1836860, MONDO:0012187, OMIM 609054.

Submission:

Labcorp Genetics (formerly Invitae), Labcorp
Classification: Uncertain significance for Familial cancer of breast; Fanconi anemia complementation group J. Last evaluated: 2025-07-15. Review status: criteria provided, single submitter. Criteria: Invitae Variant Classification Sherloc (09022015). Collection method: clinical testing. Allele origin: germline.
Comment: This sequence change creates a premature translational stop signal (p.Ile1130Leufs*21) in the BRIP1 gene. While this is not anticipated to result in nonsense mediated decay, it is expected to disrupt the last 120 amino acid(s) of the BRIP1 protein. This variant is not present in population databases (gnomAD no frequency). This variant has not been reported in the literature in individuals affected with BRIP1-related conditions. ClinVar contains an entry for this variant (Variation ID: 955824). In summary, the available evidence is currently insufficient to determine the role of this variant in disease. Therefore, it has been classified as a Variant of Uncertain Significance.

NM_032043.3(BRIP1):c.3387_3388insTT (p.Ile1130fs)

Gene: BRIP1 (BRCA1 interacting DNA helicase 1; minus strand). Cytogenetic location: 17q23.2.
Variant type: Insertion.
Coding change: c.3387_3388insTT on transcript NM_032043.3 (MANE Select); coding-DNA positions 3387 to 3388, TT inserted.
Protein change: p.Ile1130fs; shifts the reading frame from isoleucine 1130.
Molecular consequence: frameshift variant.
Genome position: GRCh38 VCF-style: chr17-61683658-T-TAA. GRCh37 (hg19) VCF-style: chr17-59761019-T-TAA.
Other names: short protein forms I1130fs.
Identifiers: ClinVar variation 955824 (VCV000955824.8), dbSNP rs2061309076, ClinGen allele CA1139665743.
Genomic context (GRCh38, chr17:61,683,658, plus strand): 5'-CTAGGTCATTTTTTTCTTCATCTGTATCTTCAGGATCATAAAGTTCAGGTGTAAAATAGA[T>TAA]AGATTCATCTTCTGCTTCTGTTTCAAAATCTCTATTTGAAGTGGACTGTTTATCTTCTTC-3'